The following is an entry in ClinVar:

NM_001367624.2(ZNF469):c.4097T>C (p.Val1366Ala)

Gene: ZNF469 (zinc finger protein 469; plus strand). Cytogenetic location: 16q24.2.
Variant type: single nucleotide variant.
Coding change: c.4097T>C on transcript NM_001367624.2 (MANE Select); coding-DNA position 4097, T replaced by C.
Protein change: p.Val1366Ala; replaces valine 1366 with alanine.
Molecular consequence: missense variant.
Genome position (GRCh38, 1-based): chr16:88,431,567, T>C. VCF-style: chr16-88431567-T-C. GRCh37 (hg19) VCF-style: chr16-88497975-T-C.
Other names: NM_001127464.1:c.4013T>C; short protein forms V1366A.
Identifiers: ClinVar variation 1309024 (VCV001309024.4), dbSNP rs1252673809, ClinGen allele CA397089340.

ClinVar aggregate classification (germline): Uncertain significance. Review status: criteria provided, multiple submitters, no conflicts (2 of 4 stars). 2 submissions from 2 submitters: Uncertain significance (2). Last evaluated 2022-10-12.

Conditions:
Cardiovascular phenotype. Identifiers: MedGen CN230736.

Allele frequency attached by ClinVar (database versions not stated): TOPMed below 0.00001; gnomAD exomes 0.00001.
gnomAD v4.1: 3 of 1,550,292 alleles (0.00019%); highest among the groups gnomAD compares: Non-Finnish European, 0.00026%; no homozygotes.

Submissions (2):

Ambry Genetics
Classification: Uncertain significance for Cardiovascular phenotype. Last evaluated: 2022-10-12. Review status: criteria provided, single submitter. Criteria: Ambry Variant Classification Scheme 2023. Collection method: clinical testing. Allele origin: germline.

GeneDx
Classification: Uncertain significance. Last evaluated: 2020-01-15. Review status: criteria provided, single submitter. Criteria: GeneDx Variant Classification Process June 2021. Collection method: clinical testing. Allele origin: germline. Affected: yes.
Comment: Not observed at a significant frequency in large population cohorts (Lek et al., 2016); In silico analysis, which includes protein predictors and evolutionary conservation, supports that this variant does not alter protein structure/function; Has not been previously published as pathogenic or benign to our knowledge